The following is an entry in ClinVar:

NM_001510.4(GRID2):c.899G>A (p.Arg300His)

Gene: GRID2 (glutamate ionotropic receptor delta type subunit 2; plus strand). Cytogenetic location: 4q22.2.
Variant type: single nucleotide variant.
Coding change: c.899G>A on transcript NM_001510.4 (MANE Select); coding-DNA position 899, G replaced by A.
Protein change: p.Arg300His; replaces arginine 300 with histidine.
Molecular consequence: missense variant.
Genome position (GRCh38, 1-based): chr4:93,216,847, G>A. VCF-style: chr4-93216847-G-A. GRCh37 (hg19) VCF-style: chr4-94137998-G-A.
Other names: c.614G>A, p.Arg205His (NM_001286838.1); short protein forms R300H, R205H.
Identifiers: ClinVar variation 430178 (VCV000430178.3), dbSNP rs201635818, ClinGen allele CA3012110.
Genomic context (GRCh38, chr4:93,216,847, plus strand): 5'-GGTTAACGATTATTCGGCAGACATTTCCAGTTCCCCAGAACATAAGTCAGCGGTGTTTCC[G>A]TGGCAACCATCGAATATCTTCAACATTGTGTGATCCAAAGGATCCATTTGCTCAGAATAT-3'
Protein context (NP_001501.2, residues 290-310): VPQNISQRCF[Arg300His]GNHRISSTLC

ClinVar aggregate classification (germline): Uncertain significance. Review status: criteria provided, multiple submitters, no conflicts (2 of 4 stars). 2 submissions from 2 submitters: Uncertain significance (2). Last evaluated 2023-05-08.

Conditions:
Autosomal recessive spinocerebellar ataxia 18. Identifiers: Orphanet 363432, MedGen C4015505, MONDO:0014530, OMIM 616204.

Allele frequency attached by ClinVar (database versions not stated): gnomAD 0.00002; gnomAD exomes 0.00002; TOPMed 0.00004.
gnomAD v4.1: 30 of 1,612,832 alleles (0.0019%); highest among the groups gnomAD compares: South Asian, 0.0022%; no homozygotes.

Submissions (2):

Institute of Human Genetics, University of Leipzig Medical Center
Classification: Uncertain significance for Autosomal recessive spinocerebellar ataxia 18. Last evaluated: 2023-05-08. Review status: criteria provided, single submitter. Criteria: ACMG Guidelines, 2015. Collection method: research. Allele origin: unknown. Affected: yes. Observed: 1 variant allele, 1 heterozygote.

GeneDx
Classification: Uncertain significance. Last evaluated: 2017-05-19. Review status: criteria provided, single submitter. Criteria: GeneDx Variant Classification (06012015). Collection method: clinical testing. Allele origin: germline. Affected: yes.
Comment: The R300H variant in the GRID2 gene has not been reported previously as a pathogenic variant, nor as a benign variant, to our knowledge. The R300H variant is not observed at a significant frequency in large population cohorts (Lek et al., 2016; 1000 Genomes Consortium et al., 2015; Exome Variant Server). The R300H variant is a conservative amino acid substitution, which is not likely to impact secondary protein structure as these residues share similar properties. This substitution occurs at a position where amino acids with similar properties to Arginine are tolerated across species. In silico analysis is inconsistent in its predictions as to whether or not the variant is damaging to the protein structure/function. We interpret R300H as a variant of uncertain significance.